The following is an entry in ClinVar:

ClinVar aggregate classification (germline): Uncertain significance. Review status: criteria provided, multiple submitters, no conflicts (2 of 4 stars). 2 submissions from 2 submitters: Uncertain significance (2). Last evaluated 2025-12-01.

Conditions:
Dyskeratosis congenita, autosomal dominant 6 (DKCA6). Identifiers: Orphanet 3322, MedGen C4225284, MONDO:0014690, OMIM 616553.
Inborn genetic diseases. Identifiers: MedGen C0950123, MeSH D030342.

Allele frequency attached by ClinVar (database versions not stated): ExAC 0.00003; ESP Exome Variant Server 0.00023.
gnomAD v4.1: 35 of 1,607,848 alleles (0.0022%); highest among the groups gnomAD compares: African/African-American, 0.035%; no homozygotes.

Submissions (2):

Labcorp Genetics (formerly Invitae), Labcorp
Classification: Uncertain significance for Dyskeratosis congenita, autosomal dominant 6. Last evaluated: 2025-12-01. Review status: criteria provided, single submitter. Criteria: Invitae Variant Classification Sherloc (09022015). Collection method: clinical testing. Allele origin: germline.
Comment: This sequence change replaces glutamine, which is neutral and polar, with arginine, which is basic and polar, at codon 122 of the ACD protein (p.Gln122Arg). This variant is present in population databases (rs146699133, gnomAD 0.04%). This variant has not been reported in the literature in individuals affected with ACD-related conditions. ClinVar contains an entry for this variant (Variation ID: 1733655). Invitae Evidence Modeling of protein sequence and biophysical properties (such as structural, functional, and spatial information, amino acid conservation, physicochemical variation, residue mobility, and thermodynamic stability) indicates that this missense variant is not expected to disrupt ACD protein function with a negative predictive value of 80%. In summary, the available evidence is currently insufficient to determine the role of this variant in disease. Therefore, it has been classified as a Variant of Uncertain Significance.

Ambry Genetics
Classification: Uncertain significance for Inborn genetic diseases. Last evaluated: 2021-07-05. Review status: criteria provided, single submitter. Criteria: Ambry Variant Classification Scheme 2023. Collection method: clinical testing. Allele origin: germline.
Comment: The p.Q122R variant (also known as c.365A>G), located in coding exon 2 of the ACD gene, results from an A to G substitution at nucleotide position 365. The glutamine at codon 122 is replaced by arginine, an amino acid with highly similar properties. This amino acid position is conserved. In addition, this alteration is predicted to be tolerated by in silico analysis. Since supporting evidence is limited at this time, the clinical significance of this alteration remains unclear.

NM_001082486.2(ACD):c.107A>G (p.Gln36Arg)

Gene: ACD (ACD shelterin complex subunit and telomerase recruitment factor; minus strand). Cytogenetic location: 16q22.1.
Variant type: single nucleotide variant.
Coding change: c.107A>G on transcript NM_001082486.2 (MANE Select); coding-DNA position 107, A replaced by G.
Protein change: p.Gln36Arg; replaces glutamine 36 with arginine.
Molecular consequence: missense variant. On other transcripts: splice acceptor variant (1).
Genome position (GRCh38, 1-based): chr16:67,660,038, T>C on the plus strand (A>G on the coding strand, the complement: ACD is on the minus strand). VCF-style: chr16-67660038-T-C. GRCh37 (hg19) VCF-style: chr16-67693941-T-C.
Other names: c.107A>G, p.Gln36Arg (NM_001410884.1); c.100-2A>G (NM_022914.3); short protein forms Q36R.
Identifiers: ClinVar variation 1733655 (VCV001733655.7), dbSNP rs146699133, ClinGen allele CA8114817.